The following is an entry in ClinVar:

NM_001079802.2(FKTN):c.1117G>T (p.Glu373Ter)

Gene: FKTN (fukutin; plus strand). Cytogenetic location: 9q31.2.
Variant type: single nucleotide variant.
Coding change: c.1117G>T on transcript NM_001079802.2 (MANE Select); coding-DNA position 1117, G replaced by T.
Protein change: p.Glu373Ter; replaces glutamic acid 373 with a stop codon.
Molecular consequence: nonsense. On other transcripts: non-coding transcript variant (2).
Genome position (GRCh38, 1-based): chr9:105,620,006, G>T. VCF-style: chr9-105620006-G-T. GRCh37 (hg19) VCF-style: chr9-108382287-G-T.
Other names: c.1117G>T, p.Glu373Ter (NM_001198963.2, NM_001351496.2, NM_001351498.2 and 1 more transcripts); c.1048G>T, p.Glu350Ter (NM_001351497.2); c.721G>T, p.Glu241Ter (NM_001351499.2, NM_001351500.2, NM_001351501.2 and 1 more transcripts); short protein forms E350*, E373*, E241*.
Identifiers: ClinVar variation 2106216 (VCV002106216.5), dbSNP rs2539750587, ClinGen allele CA374377857.

ClinVar aggregate classification (germline): Pathogenic/Likely pathogenic. Review status: criteria provided, multiple submitters, no conflicts (2 of 4 stars). 2 submissions from 2 submitters: Pathogenic (1); Likely pathogenic (1). Last evaluated 2022-07-22.

Conditions:
Walker-Warburg congenital muscular dystrophy. Also called: Muscular dystrophy-dystroglycanopathy, type A; Walker-Warburg syndrome. Identifiers: Orphanet 899, MedGen C0265221, MONDO:0000171.
Dilated cardiomyopathy 1X (CMD1X). Also called: FKTN-Related Dilated Cardiomyopathy; CARDIOMYOPATHY, DILATED, WITH MILD OR NO PROXIMAL MUSCLE WEAKNESS. Identifiers: Orphanet 154, MedGen C1969024, MONDO:0012704, OMIM 611615.

Submissions (2):

Labcorp Genetics (formerly Invitae), Labcorp
Classification: Pathogenic for Walker-Warburg congenital muscular dystrophy. Last evaluated: 2022-07-22. Review status: criteria provided, single submitter. Criteria: Invitae Variant Classification Sherloc (09022015). Collection method: clinical testing. Allele origin: germline.
Comment: For these reasons, this variant has been classified as Pathogenic. Algorithms developed to predict the effect of sequence changes on RNA splicing suggest that this variant may disrupt the consensus splice site. This variant has not been reported in the literature in individuals affected with FKTN-related conditions. This variant is not present in population databases (gnomAD no frequency). This sequence change creates a premature translational stop signal (p.Glu373*) in the FKTN gene. It is expected to result in an absent or disrupted protein product. Loss-of-function variants in FKTN are known to be pathogenic (PMID: 17044012, 17878207, 18752264).

Baylor Genetics
Classification: Likely pathogenic for Dilated cardiomyopathy 1X. Last evaluated: 2022-07-05. Review status: criteria provided, single submitter. Criteria: ACMG Guidelines, 2015. Collection method: clinical testing. Allele origin: unknown.

Literature cited by the submitters: PubMed 17044012 (cited by Labcorp Genetics (formerly Invitae), Labcorp); PubMed 17878207 (cited by Labcorp Genetics (formerly Invitae), Labcorp); PubMed 18752264 (cited by Labcorp Genetics (formerly Invitae), Labcorp).